The following is an entry in ClinVar:

NM_177438.3(DICER1):c.698A>G (p.Asn233Ser)

Gene: DICER1 (dicer 1, ribonuclease III; minus strand). Cytogenetic location: 14q32.13.
Variant type: single nucleotide variant.
Coding change: c.698A>G on transcript NM_177438.3 (MANE Select); coding-DNA position 698, A replaced by G.
Protein change: p.Asn233Ser; replaces asparagine 233 with serine.
Molecular consequence: missense variant.
Genome position (GRCh38, 1-based): chr14:95,129,508, T>C on the plus strand (A>G on the coding strand, the complement: DICER1 is on the minus strand). VCF-style: chr14-95129508-T-C. GRCh37 (hg19) VCF-style: chr14-95595845-T-C.
Other names: c.698A>G, p.Asn233Ser (NM_001195573.1, NM_001271282.3, NM_001291628.2 and 1 more transcripts); short protein forms N233S.
Identifiers: ClinVar variation 826752 (VCV000826752.14), dbSNP rs1465088683, ClinGen allele CA390888034.

ClinVar aggregate classification (germline): Conflicting classifications of pathogenicity. Review status: criteria provided, conflicting classifications (1 of 4 stars). 4 submissions from 4 submitters: Uncertain significance (3); Likely benign (1). Last evaluated 2024-12-17.

Conditions:
Global developmental delay - lung cysts - overgrowth - Wilms tumor syndrome. Also called: GLOBAL DEVELOPMENTAL DELAY, LUNG CYSTS, OVERGROWTH, AND WILMS TUMOR; GLOW Syndrome. Identifiers: Orphanet 404476, MedGen C4748924, MONDO:0018445, OMIM 618272.
DICER1-related tumor predisposition. Also called: DICER1-related pleuropulmonary blastoma cancer predisposition syndrome; DICER1 syndrome. Identifiers: Orphanet 284343, MedGen C3839822, MONDO:0100216.
Hereditary cancer-predisposing syndrome. Also called: Neoplastic Syndromes, Hereditary; Hereditary Cancer Syndrome; Hereditary neoplastic syndrome; Tumor predisposition. Identifiers: Orphanet 140162, MedGen C0027672, MeSH D009386, MONDO:0015356.
DICER1-related disorder. Also called: DICER1-related condition.

Allele frequency attached by ClinVar (database versions not stated): gnomAD exomes below 0.00001 and 0.00001.
gnomAD v4.1: 10 of 1,613,972 alleles (0.00062%); highest among the groups gnomAD compares: Non-Finnish European, 0.00085%; no homozygotes.

Submissions (4):

Labcorp Genetics (formerly Invitae), Labcorp
Classification: Uncertain significance for DICER1-related tumor predisposition. Last evaluated: 2024-12-17. Review status: criteria provided, single submitter. Criteria: Invitae Variant Classification Sherloc (09022015). Collection method: clinical testing. Allele origin: germline.
Comment: This sequence change replaces asparagine, which is neutral and polar, with serine, which is neutral and polar, at codon 233 of the DICER1 protein (p.Asn233Ser). This variant is present in population databases (no rsID available, gnomAD 0.0009%). This variant has not been reported in the literature in individuals affected with DICER1-related conditions. ClinVar contains an entry for this variant (Variation ID: 826752). Invitae Evidence Modeling of protein sequence and biophysical properties (such as structural, functional, and spatial information, amino acid conservation, physicochemical variation, residue mobility, and thermodynamic stability) indicates that this missense variant is not expected to disrupt DICER1 protein function with a negative predictive value of 95%. In summary, the available evidence is currently insufficient to determine the role of this variant in disease. Therefore, it has been classified as a Variant of Uncertain Significance.

Ambry Genetics
Classification: Likely benign for Hereditary cancer-predisposing syndrome. Last evaluated: 2024-12-13. Review status: criteria provided, single submitter. Criteria: Ambry Variant Classification Scheme 2023. Collection method: clinical testing. Allele origin: germline.

Baylor Genetics
Classification: Uncertain significance for Global developmental delay - lung cysts - overgrowth - Wilms tumor syndrome. Last evaluated: 2023-12-28. Review status: criteria provided, single submitter. Criteria: ACMG Guidelines, 2015. Collection method: clinical testing. Allele origin: unknown.

PreventionGenetics, part of Exact Sciences
Classification: Uncertain significance for DICER1-related condition. Last evaluated: 2022-09-06. Review status: criteria provided, single submitter. Criteria: ACMG Guidelines, 2015. Collection method: clinical testing. Allele origin: germline.
Comment: The DICER1 c.698A>G variant is predicted to result in the amino acid substitution p.Asn233Ser. To our knowledge, this variant has not been reported in the literature. This variant is reported in 0.00088% of alleles in individuals of European (Non-Finnish) descent in gnomAD. It is interpreted as uncertain significance in ClinVar. At this time, the clinical significance of this variant is uncertain due to the absence of conclusive functional and genetic evidence.